The following is an entry in ClinVar:

NM_001376.5(DYNC1H1):c.12684+14A>G

Gene: DYNC1H1 (dynein cytoplasmic 1 heavy chain 1; plus strand). Cytogenetic location: 14q32.31.
Variant type: single nucleotide variant.
Coding change: c.12684+14A>G on transcript NM_001376.5 (MANE Select); 14 bases into the intron after coding-DNA position 12684, A replaced by G.
Molecular consequence: intron variant.
Genome position (GRCh38, 1-based): chr14:102,044,059, A>G. VCF-style: chr14-102044059-A-G. GRCh37 (hg19) VCF-style: chr14-102510396-A-G.
Identifiers: ClinVar variation 377820 (VCV000377820.18), dbSNP rs200392758, ClinGen allele CA7353992.

ClinVar aggregate classification (germline): Benign. Review status: criteria provided, multiple submitters, no conflicts (2 of 4 stars). 4 submissions from 4 submitters: Benign (4). Last evaluated 2026-02-02.

Conditions:
Charcot-Marie-Tooth disease. Also called: Charcot-Marie-Tooth Hereditary Neuropathy; Charcot-Marie-Tooth Neuropathy. Identifiers: Orphanet 166, MedGen C0007959, MONDO:0015626.
Charcot-Marie-Tooth disease axonal type 2O. Also called: CHARCOT-MARIE-TOOTH DISEASE, AXONAL, AUTOSOMAL DOMINANT, TYPE 2O; CHARCOT-MARIE-TOOTH NEUROPATHY, AXONAL, TYPE 2O; Charcot-Marie-Tooth Neuropathy Type 2O; Charcot-Marie-Tooth disease, axonal, type 20. Identifiers: Orphanet 284232, MedGen C3280220, MONDO:0013644, OMIM 614228.

Allele frequency attached by ClinVar (database versions not stated): gnomAD exomes 0.00044 and 0.00119; ExAC 0.00148; 1000 Genomes Project 0.00459; 1000 Genomes Project 30x 0.00468; gnomAD 0.00468 and 0.00502; TOPMed 0.00544; ESP Exome Variant Server 0.00554.
gnomAD v4.1: 1,383 of 1,613,250 alleles (0.086%); highest among the groups gnomAD compares: African/African-American, 1.6%; 19 homozygotes.

Submissions (4):

Labcorp Genetics (formerly Invitae), Labcorp
Classification: Benign for Charcot-Marie-Tooth disease axonal type 2O. Last evaluated: 2026-02-02. Review status: criteria provided, single submitter. Criteria: Invitae Variant Classification Sherloc (09022015). Collection method: clinical testing. Allele origin: germline.

ARUP Laboratories, Molecular Genetics and Genomics, ARUP Laboratories
Classification: Benign. Last evaluated: 2023-09-22. Review status: criteria provided, single submitter. Criteria: ARUP Molecular Germline Variant Investigation Process 2024. Collection method: clinical testing. Allele origin: germline.

GeneDx
Classification: Benign. Last evaluated: 2015-05-20. Review status: criteria provided, single submitter. Criteria: GeneDx Variant Classification (06012015). Collection method: clinical testing. Allele origin: germline. Affected: yes.
Comment: This variant is considered likely benign or benign based on one or more of the following criteria: it is a conservative change, it occurs at a poorly conserved position in the protein, it is predicted to be benign by multiple in silico algorithms, and/or has population frequency not consistent with disease.

Molecular Genetics Laboratory, London Health Sciences Centre
Classification: Benign for Charcot-Marie-Tooth disease. Review status: criteria provided, single submitter. Criteria: ACMG Guidelines, 2015. Collection method: clinical testing. Allele origin: germline. Affected: yes.